The following is an entry in ClinVar:

ClinVar aggregate classification (germline): Uncertain significance (1 of 4 stars; one submission).

gnomAD v4.1: 1 of 1,496,258 alleles (0.000067%); highest among the groups gnomAD compares: Non-Finnish European, 0.000092%; no homozygotes.

Submission:

Labcorp Genetics (formerly Invitae), Labcorp
Classification: Uncertain significance. Last evaluated: 2024-02-09. Review status: criteria provided, single submitter. Criteria: Invitae Variant Classification Sherloc (09022015). Collection method: clinical testing. Allele origin: germline.
Comment: This sequence change replaces aspartic acid, which is acidic and polar, with glutamic acid, which is acidic and polar, at codon 550 of the SRP72 protein (p.Asp550Glu). This variant is not present in population databases (gnomAD no frequency). This variant has not been reported in the literature in individuals affected with SRP72-related conditions. Advanced modeling of protein sequence and biophysical properties (such as structural, functional, and spatial information, amino acid conservation, physicochemical variation, residue mobility, and thermodynamic stability) performed at Invitae indicates that this missense variant is not expected to disrupt SRP72 protein function with a negative predictive value of 80%. In summary, the available evidence is currently insufficient to determine the role of this variant in disease. Therefore, it has been classified as a Variant of Uncertain Significance.

NM_006947.4(SRP72):c.1650T>G (p.Asp550Glu)

Gene: SRP72 (signal recognition particle 72; plus strand). Cytogenetic location: 4q12.
Variant type: single nucleotide variant.
Coding change: c.1650T>G on transcript NM_006947.4 (MANE Select); coding-DNA position 1650, T replaced by G.
Protein change: p.Asp550Glu; replaces aspartic acid 550 with glutamic acid.
Molecular consequence: missense variant. On other transcripts: non-coding transcript variant (1).
Genome position (GRCh38, 1-based): chr4:56,495,366, T>G. VCF-style: chr4-56495366-T-G. GRCh37 (hg19) VCF-style: chr4-57361532-T-G.
Other names: c.1467T>G, p.Asp489Glu (NM_001267722.2); short protein forms D489E, D550E.
Identifiers: ClinVar variation 3639951 (VCV003639951.2).